The following is an entry in ClinVar:

ClinVar aggregate classification (germline): Pathogenic (1 of 4 stars; one submission).

Conditions:
Hyperkalemic periodic paralysis. Also called: Familial hyperkalemic periodic paralysis; Gamstorp disease. Identifiers: Orphanet 682, MedGen C0238357, MONDO:0008224, OMIM 170500, HP:0007215.

Submission:

Labcorp Genetics (formerly Invitae), Labcorp
Classification: Pathogenic for Hyperkalemic periodic paralysis. Last evaluated: 2022-02-03. Review status: criteria provided, single submitter. Criteria: Invitae Variant Classification Sherloc (09022015). Collection method: clinical testing. Allele origin: germline.
Comment: For these reasons, this variant has been classified as Pathogenic. This variant has not been reported in the literature in individuals affected with SCN4A-related conditions. This variant is not present in population databases (gnomAD no frequency). This sequence change creates a premature translational stop signal (p.Phe944Leufs*4) in the SCN4A gene. It is expected to result in an absent or disrupted protein product. Loss-of-function variants in SCN4A are known to be pathogenic (PMID: 26700687).

Literature cited by the submitters: PubMed 26700687.

NM_000334.4(SCN4A):c.2830_2831del (p.Phe944fs)

Genes: GH-LCR (growth hormone locus control region; plus strand), SCN4A (sodium voltage-gated channel alpha subunit 4; minus strand). Cytogenetic location: 17q23.3.
Variant type: Deletion.
Coding change: c.2830_2831del on transcript NM_000334.4 (MANE Select); coding-DNA positions 2830 to 2831, 2 bases deleted (TT; older notation c.2830_2831delTT).
Protein change: p.Phe944fs; shifts the reading frame from phenylalanine 944.
Molecular consequence: frameshift variant.
Genome position (GRCh38, 1-based): chr17:63,951,446-63,951,447, AA deleted on the plus strand (TT on the coding strand, the reverse complement: SCN4A is on the minus strand); deleting any 2 consecutive bases within chr17:63,951,446-63,951,448 gives the same sequence; the c. name uses the placement nearest the transcript's 3' end. VCF-style (leftmost placement, unchanged base first): chr17-63951445-GAA-G. GRCh37 (hg19) VCF-style: chr17-62028805-GAA-G.
Other names: short protein forms F944fs.
Identifiers: ClinVar variation 1422620 (VCV001422620.6), dbSNP rs2144786506, ClinGen allele CA2573154605.
Genomic context (GRCh38, chr17:63,951,445, plus strand): 5'-TTTGAAGCCGGGTCTGTCTGAGCCCCAGCCCCGGCTCACCTTGCTATCCTCAGGCTCTGA[GAA>G]AGTGTCGGTTTCCTCCTCGGTGGGCATCTCCAGGTCGGACTCCTCGGAGGCGATGGGCAC-3'